The following is an entry in ClinVar:

ClinVar aggregate classification (germline): Benign. Review status: criteria provided, multiple submitters, no conflicts (2 of 4 stars). 3 submissions from 3 submitters: Benign (3). Last evaluated 2024-07-15.

Allele frequency attached by ClinVar (database versions not stated): 1000 Genomes Project 0.41973; 1000 Genomes Project 30x 0.42364; TOPMed 0.55026; gnomAD 0.55858 and 0.56642.
gnomAD v4.1: 930,088 of 1,443,892 alleles (64%); highest among the groups gnomAD compares: Non-Finnish European, 70%; 311,988 homozygotes.

Submissions (3):

Unidad de Genómica Garrahan, Hospital de Pediatría Garrahan
Classification: Benign. Last evaluated: 2024-07-15. Review status: criteria provided, single submitter. Criteria: ACMG Guidelines, 2015. Collection method: clinical testing. Allele origin: germline. Affected: no. Observed: 78 variant alleles.
Comment: This variant is classified as Benign based on local population frequency. This variant was detected in 84% of patients studied in a panel designed for Epileptic and Developmental Encephalopathy and Progressive Myoclonus Epilepsy. Number of patients: 78. Only high quality variants are reported.

GeneDx
Classification: Benign. Last evaluated: 2018-06-24. Review status: criteria provided, single submitter. Criteria: GeneDx Variant Classification Process June 2021. Collection method: clinical testing. Allele origin: germline. Affected: yes.

Breakthrough Genomics
Classification: Benign. Review status: criteria provided, single submitter. Criteria: ACMG Guidelines, 2015. Collection method: not provided. Allele origin: germline. Inheritance: Autosomal dominant inheritance. Affected: yes.

NM_002473.6(MYH9):c.1228-96G>C

Gene: MYH9 (myosin heavy chain 9; minus strand). Cytogenetic location: 22q12.3.
Variant type: single nucleotide variant.
Coding change: c.1228-96G>C on transcript NM_002473.6 (MANE Select); 96 bases into the intron before coding-DNA position 1228, G replaced by C.
Molecular consequence: intron variant.
Genome position (GRCh38, 1-based): chr22:36,316,765, C>G on the plus strand (G>C on the coding strand, the complement: MYH9 is on the minus strand). VCF-style: chr22-36316765-C-G. GRCh37 (hg19) VCF-style: chr22-36712810-C-G.
Identifiers: ClinVar variation 1247060 (VCV001247060.5), dbSNP rs1557536, ClinGen allele CA14959253.
Genomic context (GRCh38, chr22:36,316,765, plus strand): 5'-CAAAGGATCTGAAAACCCTCATACCCTATGCCCCAGTAATTTCACTTTTAGAGTCCTCCC[C>G]CTAGAGGAACAGCCCTAAGTATGTGGGGGAAAAAAAAAAATCTTCGTACACAAATATGTT-3'